The following is an entry in ClinVar:

NM_003185.4(TAF4):c.2966A>T (p.Lys989Met)

Gene: TAF4 (TATA-box binding protein associated factor 4; minus strand). Cytogenetic location: 20q13.33.
Variant type: single nucleotide variant.
Coding change: c.2966A>T on transcript NM_003185.4 (MANE Select); coding-DNA position 2966, A replaced by T.
Protein change: p.Lys989Met; replaces lysine 989 with methionine.
Molecular consequence: missense variant.
Genome position (GRCh38, 1-based): chr20:61,998,140, T>A on the plus strand (A>T on the coding strand, the complement: TAF4 is on the minus strand). VCF-style: chr20-61998140-T-A. GRCh37 (hg19) VCF-style: chr20-60573196-T-A.
Other names: short protein forms K989M.
Identifiers: ClinVar variation 4071866 (VCV004071866.1).

ClinVar aggregate classification (germline): Uncertain significance (1 of 4 stars; one submission).

Submission:

GeneDx
Classification: Uncertain significance. Last evaluated: 2025-01-23. Review status: criteria provided, single submitter. Criteria: GeneDx Variant Classification Process June 2021. Collection method: clinical testing. Allele origin: germline. Affected: yes.
Comment: Not observed at significant frequency in large population cohorts (gnomAD); In silico analysis supports that this missense variant has a deleterious effect on protein structure/function; Has not been previously published as pathogenic or benign to our knowledge